The following is an entry in ClinVar:

ClinVar aggregate classification (germline): Uncertain significance. Review status: criteria provided, multiple submitters, no conflicts (2 of 4 stars). 3 submissions from 3 submitters: Uncertain significance (3). Last evaluated 2024-04-26.

Conditions:
Hereditary cancer-predisposing syndrome. Also called: Neoplastic Syndromes, Hereditary; Tumor predisposition; Hereditary Cancer Syndrome; Hereditary neoplastic syndrome. Identifiers: Orphanet 140162, MedGen C0027672, MeSH D009386, MONDO:0015356.
Familial cancer of breast. Also called: BREAST CANCER, FAMILIAL; Hereditary breast cancer; hereditary breast carcinoma. Identifiers: Orphanet 227535, MedGen C0346153, MONDO:0016419, OMIM 114480. Disease mechanism: loss of function.

Submissions (3):

Ambry Genetics
Classification: Uncertain significance for Hereditary cancer-predisposing syndrome. Last evaluated: 2024-04-26. Review status: criteria provided, single submitter. Criteria: Ambry Variant Classification Scheme 2023. Collection method: clinical testing. Allele origin: germline.
Comment: The p.P735T variant (also known as c.2203C>A), located in coding exon 5 of the PALB2 gene, results from a C to A substitution at nucleotide position 2203. The proline at codon 735 is replaced by threonine, an amino acid with highly similar properties. This amino acid position is highly conserved in available vertebrate species. In addition, the in silico prediction for this alteration is inconclusive. Since supporting evidence is limited at this time, the clinical significance of this alteration remains unclear.

Labcorp Genetics (formerly Invitae), Labcorp
Classification: Uncertain significance for Familial cancer of breast. Last evaluated: 2024-02-05. Review status: criteria provided, single submitter. Criteria: Invitae Variant Classification Sherloc (09022015). Collection method: clinical testing. Allele origin: germline.
Comment: This sequence change replaces proline, which is neutral and non-polar, with threonine, which is neutral and polar, at codon 735 of the PALB2 protein (p.Pro735Thr). This variant is not present in population databases (gnomAD no frequency). This variant has not been reported in the literature in individuals affected with PALB2-related conditions. ClinVar contains an entry for this variant (Variation ID: 820878). Advanced modeling of protein sequence and biophysical properties (such as structural, functional, and spatial information, amino acid conservation, physicochemical variation, residue mobility, and thermodynamic stability) performed at Invitae indicates that this missense variant is expected to disrupt PALB2 protein function with a positive predictive value of 80%. In summary, the available evidence is currently insufficient to determine the role of this variant in disease. Therefore, it has been classified as a Variant of Uncertain Significance.

Baylor Genetics
Classification: Uncertain significance for Familial cancer of breast. Last evaluated: 2023-07-03. Review status: criteria provided, single submitter. Criteria: ACMG Guidelines, 2015. Collection method: clinical testing. Allele origin: unknown.

NM_024675.4(PALB2):c.2203C>A (p.Pro735Thr)

Gene: PALB2 (partner and localizer of BRCA2; minus strand). Cytogenetic location: 16p12.2.
Variant type: single nucleotide variant.
Coding change: c.2203C>A on transcript NM_024675.4 (MANE Select); coding-DNA position 2203, C replaced by A.
Protein change: p.Pro735Thr; replaces proline 735 with threonine.
Molecular consequence: missense variant.
Genome position (GRCh38, 1-based): chr16:23,629,951, G>T on the plus strand (C>A on the coding strand, the complement: PALB2 is on the minus strand). VCF-style: chr16-23629951-G-T. GRCh37 (hg19) VCF-style: chr16-23641272-G-T.
Other names: short protein forms P735T.
Identifiers: ClinVar variation 820878 (VCV000820878.17), dbSNP rs1597089790, ClinGen allele CA395125588.